The following is an entry in ClinVar:

NM_032608.7(MYO18B):c.3122del (p.Glu1041fs)

Gene: MYO18B (myosin XVIIIB; plus strand). Cytogenetic location: 22q12.1.
Variant type: Deletion.
Coding change: c.3122del on transcript NM_032608.7 (MANE Select); coding-DNA position 3122, one base deleted (A; older notation c.3122delA).
Protein change: p.Glu1041fs; shifts the reading frame from glutamic acid 1041.
Molecular consequence: frameshift variant.
Genome position (GRCh38, 1-based): chr22:25,835,357, A deleted. VCF-style (leftmost placement, unchanged base first): chr22-25835356-GA-G. GRCh37 (hg19) VCF-style: chr22-26231323-GA-G.
Other names: c.3125del, p.Glu1042fs (NM_001318245.2); short protein forms E1041fs, E1042fs.
Identifiers: ClinVar variation 1954656 (VCV001954656.5), dbSNP rs2517529277, ClinGen allele CA2580099297.

ClinVar aggregate classification (germline): Pathogenic (1 of 4 stars; one submission).

Submission:

Labcorp Genetics (formerly Invitae), Labcorp
Classification: Pathogenic. Last evaluated: 2024-10-26. Review status: criteria provided, single submitter. Criteria: Invitae Variant Classification Sherloc (09022015). Collection method: clinical testing. Allele origin: germline.
Comment: This sequence change creates a premature translational stop signal (p.Glu1041Glyfs*5) in the MYO18B gene. It is expected to result in an absent or disrupted protein product. Loss-of-function variants in MYO18B are known to be pathogenic (PMID: 25748484, 32184166, 32637634). This variant is not present in population databases (gnomAD no frequency). This variant has not been reported in the literature in individuals affected with MYO18B-related conditions. ClinVar contains an entry for this variant (Variation ID: 1954656). For these reasons, this variant has been classified as Pathogenic.

Literature cited by the submitters: PubMed 25748484; PubMed 32184166; PubMed 32637634.